The following is an entry in ClinVar:

ClinVar aggregate classification (germline): Uncertain significance (1 of 4 stars; one submission).

Conditions:
Developmental and epileptic encephalopathy, 31A. Also called: Epileptic encephalopathy, early infantile, 31; Developmental and epileptic encephalopathy, 31. Identifiers: Orphanet 2382, MedGen C4225357, MONDO:0014598, OMIM 616346.

Submission:

Labcorp Genetics (formerly Invitae), Labcorp
Classification: Uncertain significance for Developmental and epileptic encephalopathy, 31A. Last evaluated: 2022-11-26. Review status: criteria provided, single submitter. Criteria: Invitae Variant Classification Sherloc (09022015). Collection method: clinical testing. Allele origin: germline.
Comment: In summary, the available evidence is currently insufficient to determine the role of this variant in disease. Therefore, it has been classified as a Variant of Uncertain Significance. Advanced modeling of protein sequence and biophysical properties (such as structural, functional, and spatial information, amino acid conservation, physicochemical variation, residue mobility, and thermodynamic stability) has been performed at Invitae for this missense variant, however the output from this modeling did not meet the statistical confidence thresholds required to predict the impact of this variant on DNM1 protein function. This variant has not been reported in the literature in individuals affected with DNM1-related conditions. This variant is not present in population databases (gnomAD no frequency). This sequence change replaces arginine, which is basic and polar, with proline, which is neutral and non-polar, at codon 522 of the DNM1 protein (p.Arg522Pro).

NM_004408.4(DNM1):c.1565G>C (p.Arg522Pro)

Gene: DNM1 (dynamin 1; plus strand). Cytogenetic location: 9q34.11.
Variant type: single nucleotide variant.
Coding change: c.1565G>C on transcript NM_004408.4 (MANE Select); coding-DNA position 1565, G replaced by C.
Protein change: p.Arg522Pro; replaces arginine 522 with proline.
Molecular consequence: missense variant.
Genome position (GRCh38, 1-based): chr9:128,242,239, G>C. VCF-style: chr9-128242239-G-C. GRCh37 (hg19) VCF-style: chr9-131004518-G-C.
Other names: c.1565G>C, p.Arg522Pro (NM_001005336.3, NM_001288737.2, NM_001288738.2 and 2 more transcripts); short protein forms R522P.
Identifiers: ClinVar variation 2816896 (VCV002816896.3), dbSNP rs1836417162, ClinGen allele CA375025743.
Genomic context (GRCh38, chr9:128,242,239, plus strand): 5'-CCATGGGGAGGCTCAGGCCCTGTCCACTGACCTCCTGCCCCATCACCCTCCAGGTCATCC[G>C]CAAGGGCTGGCTGACTATCAATAATATTGGCATCATGAAAGGGGGCTCCAAGGAGTACTG-3'
Protein context (NP_004399.2, residues 512-532): SGNQDEILVI[Arg522Pro]KGWLTINNIG